The following is an entry in ClinVar:

ClinVar aggregate classification (germline): Likely benign (1 of 4 stars; one submission).

gnomAD v4.1: 3 of 1,613,506 alleles (0.00019%); highest among the groups gnomAD compares: Non-Finnish European, 0.00025%; no homozygotes.

Submission:

CeGaT Center for Human Genetics Tuebingen
Classification: Likely benign. Last evaluated: 2024-09-01. Review status: criteria provided, single submitter. Criteria: CeGaT Center For Human Genetics Tuebingen Variant Classification Criteria Version 2. Collection method: clinical testing. Allele origin: germline. Affected: yes. Observed: 1 variant allele.
Comment: EP300: BP4, BS2

NM_001429.4(EP300):c.5632A>G (p.Thr1878Ala)

Gene: EP300 (EP300 lysine acetyltransferase; plus strand). Cytogenetic location: 22q13.2.
Variant type: single nucleotide variant.
Coding change: c.5632A>G on transcript NM_001429.4 (MANE Select); coding-DNA position 5632, A replaced by G.
Protein change: p.Thr1878Ala; replaces threonine 1878 with alanine.
Molecular consequence: missense variant.
Genome position (GRCh38, 1-based): chr22:41,177,343, A>G. VCF-style: chr22-41177343-A-G. GRCh37 (hg19) VCF-style: chr22-41573347-A-G.
Other names: c.5554A>G, p.Thr1852Ala (NM_001362843.2); short protein forms T1852A, T1878A.
Identifiers: ClinVar variation 3389613 (VCV003389613.14).
Genomic context (GRCh38, chr22:41,177,343, plus strand): 5'-CCAACTGGCCAACAGCCAACCACCCCGCAGACGCCCCAGCCCACTTCTCAGCCTCAGCCT[A>G]CCCCTCCCAATAGCATGCCACCCTACTTGCCCAGGACTCAAGCTGCTGGCCCTGTGTCCC-3'
Protein context (NP_001420.2, residues 1868-1888): TPQPTSQPQP[Thr1878Ala]PPNSMPPYLP